The following is an entry in ClinVar:

ClinVar aggregate classification (germline): Uncertain significance. Review status: criteria provided, multiple submitters, no conflicts (2 of 4 stars). 5 submissions from 5 submitters: Uncertain significance (5). Last evaluated 2026-01-24.

Conditions:
Ehlers-Danlos syndrome, type 4 (EDSVASC). Also called: Ehlers-Danlos syndrome vascular type; Ehlers Danlos syndrome, ecchymotic type; Ehlers Danlos syndrome, arterial type; Ehlers Danlos syndrome, Sack-Barabas type; Ehlers-Danlos Syndrome Type IV. Identifiers: Orphanet 286, MedGen C0268338, MONDO:0017314, OMIM 130050.
Polymicrogyria with or without vascular-type Ehlers-Danlos syndrome. Identifiers: Orphanet 636941, MedGen C5193040, MONDO:0032688, OMIM 618343.
Familial thoracic aortic aneurysm and aortic dissection (TAAD). Also called: Thoracic aortic aneurysms and dissections. Identifiers: Orphanet 91387, MedGen C4707243, MONDO:0019625.

Allele frequency attached by ClinVar (database versions not stated): TOPMed below 0.00001; gnomAD exomes 0.00001.
gnomAD v4.1: 4 of 1,613,166 alleles (0.00025%); highest among the groups gnomAD compares: Non-Finnish European, 0.00034%; no homozygotes.

Submissions (5):

Labcorp Genetics (formerly Invitae), Labcorp
Classification: Uncertain significance for Ehlers-Danlos syndrome, type 4. Last evaluated: 2026-01-24. Review status: criteria provided, single submitter. Criteria: Invitae Variant Classification Sherloc (09022015). Collection method: clinical testing. Allele origin: germline.
Comment: This sequence change replaces methionine, which is neutral and non-polar, with valine, which is neutral and non-polar, at codon 262 of the COL3A1 protein (p.Met262Val). This variant is not present in population databases (gnomAD no frequency). This variant has not been reported in the literature in individuals affected with COL3A1-related conditions. ClinVar contains an entry for this variant (Variation ID: 927080). Invitae Evidence Modeling of protein sequence and biophysical properties (such as structural, functional, and spatial information, amino acid conservation, physicochemical variation, residue mobility, and thermodynamic stability) indicates that this missense variant is not expected to disrupt COL3A1 protein function with a negative predictive value of 95%. In summary, the available evidence is currently insufficient to determine the role of this variant in disease. Therefore, it has been classified as a Variant of Uncertain Significance.

Ambry Genetics
Classification: Uncertain significance for Familial thoracic aortic aneurysm and aortic dissection. Last evaluated: 2025-03-21. Review status: criteria provided, single submitter. Criteria: Ambry Variant Classification Scheme 2023. Collection method: clinical testing. Allele origin: germline.
Comment: The p.M262V variant (also known as c.784A>G), located in coding exon 10 of the COL3A1 gene, results from an A to G substitution at nucleotide position 784. The methionine at codon 262 is replaced by valine, an amino acid with highly similar properties. This amino acid position is not well conserved in available vertebrate species. In addition, the in silico prediction for this alteration is inconclusive. Based on the available evidence, the clinical significance of this variant remains unclear.

Color Diagnostics, LLC DBA Color Health
Classification: Uncertain significance for Familial thoracic aortic aneurysm and aortic dissection. Last evaluated: 2024-03-06. Review status: criteria provided, single submitter. Criteria: ACMG Guidelines, 2015. Collection method: clinical testing. Allele origin: germline.
Comment: This missense variant replaces methionine with valine at codon 262 of the COL3A1 protein. Computational prediction suggests that this variant may not impact protein structure and function (internally defined REVEL score threshold <= 0.5, PMID: 27666373). To our knowledge, functional studies have not been reported for this variant. This variant has not been reported in individuals affected with COL3A1-related disorders in the literature. This variant has not been identified in the general population by the Genome Aggregation Database (gnomAD). The available evidence is insufficient to determine the role of this variant in disease conclusively. Therefore, this variant is classified as a Variant of Uncertain Significance.

All of Us Research Program, National Institutes of Health
Classification: Uncertain significance for Ehlers-Danlos syndrome, type 4. Last evaluated: 2024-03-05. Review status: criteria provided, single submitter. Criteria: ACMG Guidelines, 2015. Collection method: clinical testing. Allele origin: germline. Inheritance: Autosomal dominant inheritance. Observed: 2 variant alleles, 2 heterozygotes.
Comment: This missense variant replaces methionine with valine at codon 262 of the COL3A1 protein. Computational prediction suggests that this variant may not impact protein structure and function (internally defined REVEL score threshold <= 0.5, PMID: 27666373). Splice site prediction tools suggest that this variant may not impact RNA splicing. To our knowledge, functional studies have not been performed for this variant. This variant has not been reported in individuals affected with cardiovascular disorders in the literature. This variant has not been identified in the general population by the Genome Aggregation Database (gnomAD). The available evidence is insufficient to determine the role of this variant in disease conclusively. Therefore, this variant is classified as a Variant of Uncertain Significance.

This study involves interpretation of variants in research participants for the purpose of population health screening. Participant phenotype was not available at the time of variant classification. Additional details can be found in publication PMID: 35346344, PMCID: PMC8962531

Fulgent Genetics
Classification: Uncertain significance for Ehlers-Danlos syndrome, type 4; Polymicrogyria with or without vascular-type Ehlers-Danlos syndrome. Last evaluated: 2021-10-20. Review status: criteria provided, single submitter. Criteria: ACMG Guidelines, 2015. Collection method: clinical testing. Allele origin: unknown.

NM_000090.4(COL3A1):c.784A>G (p.Met262Val)

Gene: COL3A1 (collagen type III alpha 1 chain; plus strand). Cytogenetic location: 2q32.2.
Variant type: single nucleotide variant.
Coding change: c.784A>G on transcript NM_000090.4 (MANE Select); coding-DNA position 784, A replaced by G.
Protein change: p.Met262Val; replaces methionine 262 with valine.
Molecular consequence: missense variant.
Genome position (GRCh38, 1-based): chr2:188,990,346, A>G. VCF-style: chr2-188990346-A-G. GRCh37 (hg19) VCF-style: chr2-189855072-A-G.
Other names: short protein forms M262V.
Identifiers: ClinVar variation 927080 (VCV000927080.19), dbSNP rs1688161240, ClinGen allele CA349849236.
Genomic context (GRCh38, chr2:188,990,346, plus strand): 5'-TTTTTCATTCATTATTTTTAGGGTATCAAAGGTCCAGCTGGGATACCTGGATTCCCTGGT[A>G]TGAAAGGACACAGAGTAAGTAGAGTTTCTAAGTTGTTTACAAGGTATTCCACTGGGCTAT-3'
Protein context (NP_000081.2, residues 252-272): GPAGIPGFPG[Met262Val]KGHRGFDGRN